The following is an entry in ClinVar:

NM_016356.5(DCDC2):c.6C>G (p.Ser2Arg)

Genes: DCDC2 (doublecortin domain containing 2; minus strand), KAAG1 (kidney associated DCDC2 antisense RNA 1; plus strand). Cytogenetic location: 6p22.3.
Variant type: single nucleotide variant.
Coding change: c.6C>G on transcript NM_016356.5 (MANE Select); coding-DNA position 6, C replaced by G.
Protein change: p.Ser2Arg; replaces serine 2 with arginine.
Molecular consequence: missense variant. On other transcripts: non-coding transcript variant (1).
Genome position (GRCh38, 1-based): chr6:24,357,745, G>C on the plus strand (C>G on the coding strand, the complement: DCDC2 is on the minus strand). VCF-style: chr6-24357745-G-C. GRCh37 (hg19) VCF-style: chr6-24357973-G-C.
Other names: c.6C>G, p.Ser2Arg (NM_001195610.2); short protein forms S2R.
Identifiers: ClinVar variation 4996877 (VCV004996877.1).
Genomic context (GRCh38, chr6:24,357,745, plus strand): 5'-GTACACAAGCACGCTCTTCACGACGGGCTGAGACAGGTGGCTGGACCTGGCGCTGCTGCC[G>C]CTCATCTTCCCCGCTGGCCGCCGCCTCAGCTCGCTGCTTCGCGTCGGGAGGCACCTCCGC-3'
Protein context (NP_057440.2, residues 1-12): M[Ser2Arg]GSSARSSHLS

ClinVar aggregate classification (germline): Uncertain significance (1 of 4 stars; one submission).

Conditions:
DCDC2-related disorder. Also called: DCDC2-related condition.

Submission:

PreventionGenetics, part of Exact Sciences
Classification: Uncertain significance for DCDC2-related condition. Last evaluated: 2025-06-25. Review status: criteria provided, single submitter. Criteria: ACMG Guidelines, 2015. Collection method: clinical testing. Allele origin: germline.
Comment: The DCDC2 c.6C>G variant is predicted to result in the amino acid substitution p.Ser2Arg. To our knowledge, this variant has not been reported in the literature or in a large population database (gnomAD), indicating this variant is rare. At this time, the clinical significance of this variant is uncertain due to the absence of conclusive functional and genetic evidence.